The following is an entry in ClinVar:

ClinVar aggregate classification (germline): Uncertain significance (1 of 4 stars; one submission).

Submission:

Labcorp Genetics (formerly Invitae), Labcorp
Classification: Uncertain significance. Last evaluated: 2023-09-30. Review status: criteria provided, single submitter. Criteria: Invitae Variant Classification Sherloc (09022015). Collection method: clinical testing. Allele origin: germline.
Comment: This sequence change replaces alanine, which is neutral and non-polar, with threonine, which is neutral and polar, at codon 515 of the PDE3A protein (p.Ala515Thr). This variant is not present in population databases (gnomAD no frequency). This variant has not been reported in the literature in individuals affected with PDE3A-related conditions. An algorithm developed to predict the effect of missense changes on protein structure and function (PolyPhen-2) suggests that this variant is likely to be tolerated. In summary, the available evidence is currently insufficient to determine the role of this variant in disease. Therefore, it has been classified as a Variant of Uncertain Significance.

NM_000921.5(PDE3A):c.1543G>A (p.Ala515Thr)

Gene: PDE3A (phosphodiesterase 3A; plus strand). Cytogenetic location: 12p12.2.
Variant type: single nucleotide variant.
Coding change: c.1543G>A on transcript NM_000921.5 (MANE Select); coding-DNA position 1543, G replaced by A.
Protein change: p.Ala515Thr; replaces alanine 515 with threonine.
Molecular consequence: missense variant. On other transcripts: intron variant (1).
Genome position (GRCh38, 1-based): chr12:20,629,910, G>A. VCF-style: chr12-20629910-G-A. GRCh37 (hg19) VCF-style: chr12-20782844-G-A.
Other names: c.577G>A, p.Ala193Thr (NM_001244683.2, NM_001378409.1); c.580G>A, p.Ala194Thr (NM_001378408.1); c.1541-4992G>A (NM_001378407.1); short protein forms A515T, A193T, A194T.
Identifiers: ClinVar variation 2990149 (VCV002990149.3), dbSNP rs2498044152, ClinGen allele CA384074479.